The following is an entry in ClinVar:

NM_000051.4(ATM):c.7821T>C (p.Cys2607=)

Genes: ATM (ATM serine/threonine kinase; plus strand), C11orf65 (chromosome 11 open reading frame 65; minus strand). Cytogenetic location: 11q22.3.
Variant type: single nucleotide variant.
Coding change: c.7821T>C on transcript NM_000051.4 (MANE Select); coding-DNA position 7821, T replaced by C.
Protein change: p.Cys2607=; no amino-acid change (cysteine 2607 retained).
Molecular consequence: synonymous variant. On other transcripts: intron variant (2).
Genome position (GRCh38, 1-based): chr11:108,332,794, T>C. VCF-style: chr11-108332794-T-C. GRCh37 (hg19) VCF-style: chr11-108203521-T-C.
Other names: c.7821T>C, p.Cys2607= (NM_001351834.2); c.641-23723A>G (NM_001330368.2); c.*38+2426A>G (NM_001351110.2).
Identifiers: ClinVar variation 1170985 (VCV001170985.13), dbSNP rs771607956, ClinGen allele CA6266195.

ClinVar aggregate classification (germline): Benign/Likely benign. Review status: criteria provided, multiple submitters, no conflicts (2 of 4 stars). 4 submissions from 4 submitters: Benign (1); Likely benign (3). Last evaluated 2025-11-02.

Conditions:
Familial cancer of breast. Also called: Hereditary breast cancer; hereditary breast carcinoma; BREAST CANCER, FAMILIAL. Identifiers: Orphanet 227535, MedGen C0346153, MONDO:0016419, OMIM 114480. Disease mechanism: loss of function.
Hereditary cancer-predisposing syndrome. Also called: Neoplastic Syndromes, Hereditary; Tumor predisposition; Hereditary Cancer Syndrome; Hereditary neoplastic syndrome. Identifiers: Orphanet 140162, MedGen C0027672, MeSH D009386, MONDO:0015356.
Ataxia-telangiectasia syndrome (AT). Also called: Ataxia telangiectasia (A-T); ATAXIA-TELANGIECTASIA, COMPLEMENTATION GROUP A; ATAXIA-TELANGIECTASIA, FRESNO VARIANT; Ataxia-telangiectasia; Ataxia-telangiectasia, complementation group E; LOUIS-BAR SYNDROME. Identifiers: Orphanet 100, MedGen C0004135, MONDO:0008840, OMIM 208900.

Allele frequency attached by ClinVar (database versions not stated): ExAC 0.00002; gnomAD exomes 0.00001.
gnomAD v4.1: 3 of 1,613,376 alleles (0.00019%); highest among the groups gnomAD compares: Admixed American, 0.005%; no homozygotes.

Submissions (4):

Labcorp Genetics (formerly Invitae), Labcorp
Classification: Likely benign for Ataxia-telangiectasia syndrome. Last evaluated: 2025-11-02. Review status: criteria provided, single submitter. Criteria: Invitae Variant Classification Sherloc (09022015). Collection method: clinical testing. Allele origin: germline.

Myriad Genetics, Inc.
Classification: Benign for Familial cancer of breast. Last evaluated: 2024-06-17. Review status: criteria provided, single submitter. Criteria: Myriad Autosomal Dominant, Autosomal Recessive and X-Linked Classification Criteria (2023). Collection method: clinical testing. Allele origin: unknown.
Comment: This variant is considered benign. This variant is a silent/synonymous amino acid change and it is not expected to impact splicing.

Ambry Genetics
Classification: Likely benign for Hereditary cancer-predisposing syndrome. Last evaluated: 2021-12-05. Review status: criteria provided, single submitter. Criteria: Ambry Variant Classification Scheme 2023. Collection method: clinical testing. Allele origin: germline.

Color Diagnostics, LLC DBA Color Health
Classification: Likely benign for Hereditary cancer-predisposing syndrome. Last evaluated: 2021-01-12. Review status: criteria provided, single submitter. Criteria: ACMG Guidelines, 2015. Collection method: clinical testing. Allele origin: germline.